The following is an entry in ClinVar:

ClinVar aggregate classification (germline): Likely benign. Review status: criteria provided, multiple submitters, no conflicts (2 of 4 stars). 2 submissions from 2 submitters: Likely benign (2). Last evaluated 2025-11-13.

Conditions:
MYRF-related disorder. Also called: MYRF-related disorders; MYRF-related condition.

Submissions (2):

PreventionGenetics, part of Exact Sciences
Classification: Likely benign for MYRF-related condition. Last evaluated: 2025-11-13. Review status: criteria provided, single submitter. Criteria: ACMG Guidelines, 2015. Collection method: clinical testing. Allele origin: germline.
Comment: This variant is classified as likely benign based on ACMG/AMP sequence variant interpretation guidelines (Richards et al. 2015 PMID: 25741868, with internal and published modifications).

Blueprint Genetics
Classification: Likely benign. Last evaluated: 2024-08-02. Review status: criteria provided, single submitter. Criteria: ACMG Guidelines, 2015. Collection method: clinical testing. Allele origin: germline.

NM_001127392.3(MYRF):c.1425T>G (p.Thr475=)

Gene: MYRF (myelin regulatory factor; plus strand). Cytogenetic location: 11q12.2.
Variant type: single nucleotide variant.
Coding change: c.1425T>G on transcript NM_001127392.3 (MANE Select); coding-DNA position 1425, T replaced by G.
Protein change: p.Thr475=; no amino-acid change (threonine 475 retained).
Molecular consequence: synonymous variant.
Genome position (GRCh38, 1-based): chr11:61,776,358, T>G. VCF-style: chr11-61776358-T-G. GRCh37 (hg19) VCF-style: chr11-61543830-T-G.
Other names: c.1398T>G, p.Thr466= (NM_013279.4); c.1425T>G (NM_001127392.2).
Identifiers: ClinVar variation 4911848 (VCV004911848.2).